The following is an entry in ClinVar:

ClinVar aggregate classification (germline): Uncertain significance (1 of 4 stars; one submission).

Allele frequency attached by ClinVar (database versions not stated): TOPMed 0.00002.
gnomAD v4.1: 7 of 1,613,908 alleles (0.00043%); highest among the groups gnomAD compares: Admixed American, 0.0017%; no homozygotes.

Submission:

Ambry Genetics
Classification: Uncertain significance. Last evaluated: 2023-07-27. Review status: criteria provided, single submitter. Criteria: Ambry Variant Classification Scheme 2023. Collection method: clinical testing. Allele origin: germline.
Comment: The p.V384A variant (also known as c.1151T>C), located in coding exon 5 of the MNDA gene, results from a T to C substitution at nucleotide position 1151. The valine at codon 384 is replaced by alanine, an amino acid with similar properties. This amino acid position is conserved. In addition, this alteration is predicted to be tolerated by in silico analysis. Since supporting evidence is limited at this time, the clinical significance of this alteration remains unclear.

NM_002432.3(MNDA):c.1151T>C (p.Val384Ala)

Gene: MNDA (myeloid cell nuclear differentiation antigen; plus strand). Cytogenetic location: 1q23.1.
Variant type: single nucleotide variant.
Coding change: c.1151T>C on transcript NM_002432.3 (MANE Select); coding-DNA position 1151, T replaced by C.
Protein change: p.Val384Ala; replaces valine 384 with alanine.
Molecular consequence: missense variant.
Genome position (GRCh38, 1-based): chr1:158,847,891, T>C. VCF-style: chr1-158847891-T-C. GRCh37 (hg19) VCF-style: chr1-158817681-T-C.
Other names: short protein forms V384A.
Identifiers: ClinVar variation 1734224 (VCV001734224.3), dbSNP rs771962857, ClinGen allele CA31308026.